The following is an entry in ClinVar:

ClinVar aggregate classification (germline): Uncertain significance (1 of 4 stars; one submission).

Conditions:
Hereditary cancer-predisposing syndrome. Also called: Hereditary neoplastic syndrome; Neoplastic Syndromes, Hereditary; Tumor predisposition; Hereditary Cancer Syndrome. Identifiers: Orphanet 140162, MedGen C0027672, MeSH D009386, MONDO:0015356.

Allele frequency attached by ClinVar (database versions not stated): gnomAD exomes below 0.00001; TOPMed below 0.00001; gnomAD 0.00001.
gnomAD v4.1: 2 of 1,611,658 alleles (0.00012%); highest among the groups gnomAD compares: Non-Finnish European, 0.00017%; no homozygotes.

Submission:

Ambry Genetics
Classification: Uncertain significance for Hereditary cancer-predisposing syndrome. Last evaluated: 2021-09-11. Review status: criteria provided, single submitter. Criteria: Ambry Variant Classification Scheme 2023. Collection method: clinical testing. Allele origin: germline.
Comment: The p.E2087K variant (also known as c.6259G>A), located in coding exon 42 of the ATM gene, results from a G to A substitution at nucleotide position 6259. The glutamic acid at codon 2087 is replaced by lysine, an amino acid with similar properties. This variant was reported in 1/60,466 breast cancer cases and in 0/53,461 controls (Dorling et al. N Engl J Med. 2021 02;384:428-439). This amino acid position is well conserved in available vertebrate species. In addition, this alteration is predicted to be tolerated by in silico analysis. Since supporting evidence is limited at this time, the clinical significance of this alteration remains unclear.

Literature cited by the submitters: PubMed 33471991.

NM_000051.4(ATM):c.6259G>A (p.Glu2087Lys)

Genes: C11orf65 (chromosome 11 open reading frame 65; minus strand), ATM (ATM serine/threonine kinase; plus strand). Cytogenetic location: 11q22.3.
Variant type: single nucleotide variant.
Coding change: c.6259G>A on transcript NM_000051.4 (MANE Select); coding-DNA position 6259, G replaced by A.
Protein change: p.Glu2087Lys; replaces glutamic acid 2087 with lysine.
Molecular consequence: missense variant. On other transcripts: intron variant (2).
Genome position (GRCh38, 1-based): chr11:108,317,433, G>A. VCF-style: chr11-108317433-G-A. GRCh37 (hg19) VCF-style: chr11-108188160-G-A.
Other names: c.6259G>A, p.Glu2087Lys (NM_001351834.2); c.641-8362C>T (NM_001330368.2); c.*39-8362C>T (NM_001351110.2); short protein forms E2087K.
Identifiers: ClinVar variation 1752468 (VCV001752468.2), dbSNP rs1399938610, ClinGen allele CA382551872.
Genomic context (GRCh38, chr11:108,317,433, plus strand): 5'-GCCTTGCAGAATTTGGGACTCTGCCATATTCTTTCCGTCTATTTAAAAGGATTGGATTAT[G>A]AAAATAAAGACTGGTGTCCTGAACTAGAAGAACTTCATTACCAAGCAGCATGGAGGAATA-3'
Protein context (NP_000042.3, residues 2077-2097): LSVYLKGLDY[Glu2087Lys]NKDWCPELEE